The following is an entry in ClinVar:

ClinVar aggregate classification (germline): Benign. Review status: criteria provided, multiple submitters, no conflicts (2 of 4 stars). 3 submissions from 3 submitters: Benign (2). 1 of the submissions does not count toward it. Last evaluated 2026-02-01.

Conditions:
MYO18B-related disorder. Also called: MYO18B-related condition.

Allele frequency attached by ClinVar (database versions not stated): 1000 Genomes Project 0.00899; TOPMed 0.00292; ESP Exome Variant Server 0.00200; 1000 Genomes Project 30x 0.01015.
gnomAD v4.1: 4,443 of 1,607,322 alleles (0.28%); highest among the groups gnomAD compares: South Asian, 3%; 89 homozygotes.

Submissions (3):

Labcorp Genetics (formerly Invitae), Labcorp
Classification: Benign. Last evaluated: 2026-02-01. Review status: criteria provided, single submitter. Criteria: Invitae Variant Classification Sherloc (09022015). Collection method: clinical testing. Allele origin: germline.

Breakthrough Genomics
Classification: Benign. Review status: criteria provided, single submitter. Criteria: ACMG Guidelines, 2015. Collection method: not provided. Allele origin: germline. Inheritance: Autosomal recessive inheritance. Affected: yes.

PreventionGenetics, part of Exact Sciences
Classification: Benign for MYO18B-related condition. Last evaluated: 2019-02-19. Review status: no assertion criteria provided. Collection method: clinical testing. Allele origin: germline. Not counted in ClinVar's aggregate classification.
Comment: This variant is classified as benign based on ACMG/AMP sequence variant interpretation guidelines (Richards et al. 2015 PMID: 25741868, with internal and published modifications).

NM_032608.7(MYO18B):c.549C>A (p.Pro183=)

Gene: MYO18B (myosin XVIIIB; plus strand). Cytogenetic location: 22q12.1.
Variant type: single nucleotide variant.
Coding change: c.549C>A on transcript NM_032608.7 (MANE Select); coding-DNA position 549, C replaced by A.
Protein change: p.Pro183=; no amino-acid change (proline 183 retained).
Molecular consequence: synonymous variant.
Genome position (GRCh38, 1-based): chr22:25,768,465, C>A. VCF-style: chr22-25768465-C-A. GRCh37 (hg19) VCF-style: chr22-26164432-C-A.
Other names: c.549C>A, p.Pro183= (NM_001318245.2).
Identifiers: ClinVar variation 777676 (VCV000777676.12), dbSNP rs41281573, ClinGen allele CA10159636.
Genomic context (GRCh38, chr22:25,768,465, plus strand): 5'-CTCAGCCAAGCCAGAGAAGACTCATCCCCATGACGCCCCCCCTTGCAAGACCTCTCCCCC[C>A]GCCACAGATACTGGAAAGGAAAAGAAAGGGGAGACCTCTAGGACTCCTTGTGGCTCCCAG-3'
Protein context (NP_115997.5, residues 173-193): HDAPPCKTSP[Pro183=]ATDTGKEKKG